The following is an entry in ClinVar:

ClinVar aggregate classification (germline): Likely pathogenic. Review status: criteria provided, multiple submitters, no conflicts (2 of 4 stars). 3 submissions from 3 submitters: Likely pathogenic (3). Last evaluated 2022-03-15.

Conditions:
Hereditary cancer-predisposing syndrome. Also called: Hereditary neoplastic syndrome; Tumor predisposition; Neoplastic Syndromes, Hereditary; Hereditary Cancer Syndrome. Identifiers: Orphanet 140162, MedGen C0027672, MeSH D009386, MONDO:0015356.
Neurofibromatosis, type 1 (NF1). Also called: Neurofibromatosis, type I; NEUROFIBROMATOSIS, TYPE I, SOMATIC; Peripheral type neurofibromatosis; VON RECKLINGHAUSEN DISEASE. Identifiers: Orphanet 636, MedGen C0027831, MONDO:0018975, OMIM 162200. Disease mechanism: loss of function.

Submissions (3):

Genome-Nilou Lab
Classification: Likely pathogenic for Neurofibromatosis, type 1. Last evaluated: 2022-03-15. Review status: criteria provided, single submitter. Criteria: ACMG Guidelines, 2015. Collection method: clinical testing. Allele origin: germline. Affected: no.

Center for Human Genetics, Inc
Classification: Likely pathogenic for Neurofibromatosis, type 1. Last evaluated: 2016-11-01. Review status: criteria provided, single submitter. Criteria: ACMG Guidelines, 2015. Collection method: clinical testing. Allele origin: germline. Affected: yes.

Ambry Genetics
Classification: Likely pathogenic for Hereditary cancer-predisposing syndrome. Last evaluated: 2016-01-30. Review status: criteria provided, single submitter. Criteria: Ambry Autosomal Dominant and X-Linked criteria (10/2015). Collection method: clinical testing. Allele origin: germline. Observed: 1 variant allele.
Comment: The c.60+2delT intronic variant, located in intron 1 of the NF1 gene, results from a deletion of one nucleotide at the +2 position downstream of coding exon1 of the NF1 gene. This variant was not reported in population based cohorts in the following databases: Database of Single Nucleotide Polymorphisms (dbSNP), NHLBI Exome Sequencing Project (ESP), and 1000 Genomes Project. In the ESP, this variant was not observed in 5599 samples (11198 alleles) with coverage at this position. This nucleotide position is highly conserved in available vertebrate species. To date, this alteration has been detected with an allele frequency of approximately 0.001% (greater than 110000alleles tested) in our clinical cohort.Using the BDGP and ESEfinder splice site prediction tools, this alteration is predicted to abolish the native splice donor site; however, direct evidence is unavailable. Alterations that disrupt the canonical splice donor site are typically deleterious in nature (ACMGRecommendations for Standards for Interpretation and Reporting of Sequence Variations. Revision 2007.Genet Med.2008;10:294). As such, the c.60+2delT variant is classified as likely pathogenic.

NM_001042492.3(NF1):c.60+2del

Genes: MIR4733HG (MIR4733 host gene; minus strand), NF1 (neurofibromin 1; plus strand), LOC111811965 (NF1 (neurofibromin 1) promoter region; plus strand). Cytogenetic location: 17q11.2.
Variant type: Deletion.
Coding change: c.60+2del on transcript NM_001042492.3 (MANE Select); the canonical splice donor site of the intron after coding-DNA position 60, one base deleted (T; older notation c.60+2delT).
Molecular consequence: splice donor variant. On other transcripts: non-coding transcript variant (1).
Genome position (GRCh38, 1-based): chr17:31,095,371, T deleted. VCF-style (leftmost placement, unchanged base first): chr17-31095370-GT-G. GRCh37 (hg19) VCF-style: chr17-29422388-GT-G.
Other names: c.60+2delT (NM_001042492.2); c.60+2del (NM_000267.4, NM_001128147.3).
Identifiers: ClinVar variation 428980 (VCV000428980.4), dbSNP rs1131691101, ClinGen allele CA645369716.
Genomic context (GRCh38, chr17:31,095,370, plus strand): 5'-ATGGCCGCGCACAGGCCGGTGGAATGGGTCCAGGCCGTGGTCAGCCGCTTCGACGAGCAG[GT>G]AACCGGCCCGTGGCGGGCGGGAGGTGGGAGCGGAGTGGGGGTGGGGACAGAGTAGGTGAG-3'